The following is an entry in ClinVar:

ClinVar aggregate classification (germline): Conflicting classifications of pathogenicity. Review status: criteria provided, conflicting classifications (1 of 4 stars). 3 submissions from 3 submitters: Uncertain significance (2); Likely benign (1). Last evaluated 2025-03-03.

Conditions:
Inborn genetic diseases. Identifiers: MedGen C0950123, MeSH D030342.

Allele frequency attached by ClinVar (database versions not stated): 1000 Genomes Project 0.00020; 1000 Genomes Project 30x 0.00031; gnomAD 0.00043; TOPMed 0.00049; ESP Exome Variant Server 0.00069.
gnomAD v4.1: 127 of 1,612,260 alleles (0.0079%); highest among the groups gnomAD compares: African/African-American, 0.16%; no homozygotes.

Submissions (3):

Labcorp Genetics (formerly Invitae), Labcorp
Classification: Likely benign. Last evaluated: 2025-03-03. Review status: criteria provided, single submitter. Criteria: Invitae Variant Classification Sherloc (09022015). Collection method: clinical testing. Allele origin: germline.

Ambry Genetics
Classification: Uncertain significance for Inborn genetic diseases. Last evaluated: 2025-02-15. Review status: criteria provided, single submitter. Criteria: Ambry Variant Classification Scheme 2023. Collection method: clinical testing. Allele origin: germline.

ARUP Laboratories, Molecular Genetics and Genomics, ARUP Laboratories
Classification: Uncertain significance. Last evaluated: 2020-06-01. Review status: criteria provided, single submitter. Criteria: ARUP Molecular Germline Variant Investigation Process. Collection method: clinical testing. Allele origin: germline.
Comment: The SERPINH1 c.97G>C; p.Ala33Pro variant (rs150061926), to our knowledge, is not reported in the medical literature or gene specific databases. The variant is listed in the African population with an allele frequency of 0.13% (32/23,940 alleles) in the Genome Aggregation Database. The alanine at codon 33 is moderately conserved, but computational analyses (SIFT, PolyPhen-2) predict that this variant is tolerated. Due to limited information, the clinical significance of the p.Ala33Pro variant is uncertain at this time.

NM_001235.5(SERPINH1):c.97G>C (p.Ala33Pro)

Gene: SERPINH1 (serpin family H member 1; plus strand). Cytogenetic location: 11q13.5.
Variant type: single nucleotide variant.
Coding change: c.97G>C on transcript NM_001235.5 (MANE Select); coding-DNA position 97, G replaced by C.
Protein change: p.Ala33Pro; replaces alanine 33 with proline.
Molecular consequence: missense variant.
Genome position (GRCh38, 1-based): chr11:75,566,446, G>C. VCF-style: chr11-75566446-G-C. GRCh37 (hg19) VCF-style: chr11-75277491-G-C.
Other names: c.97G>C (NM_001235.3); c.97G>C, p.Ala33Pro (NM_001207014.3); short protein forms A33P.
Identifiers: ClinVar variation 993904 (VCV000993904.19), dbSNP rs150061926, ClinGen allele CA6190721.